The following is an entry in ClinVar:

ClinVar aggregate classification (germline): Uncertain significance (1 of 4 stars; one submission).

Submission:

Dasa
Classification: Uncertain significance. Last evaluated: 2026-02-20. Review status: criteria provided, single submitter. Criteria: DASA Assertion Criteria. Collection method: clinical testing. Allele origin: germline.
Comment: NM_001170629.2(CHD8):c.7496_7522del (p.Pro2499_His2507del) is an in-frame deletion predicted to remove amino acids from proline at protein position 2499 through histidine at protein position 2507 without shifting the reading frame. This variant is rare in population databases. The currently available literature and clinical evidence are not sufficient to establish a definitive association between this variant and the reported condition. Therefore, this variant is classified as a variant of uncertain significance.

NM_001170629.2(CHD8):c.7496_7522del (p.Pro2499_His2507del)

Gene: CHD8 (chromodomain helicase DNA binding protein 8; minus strand). Cytogenetic location: 14q11.2.
Variant type: Deletion.
Coding change: c.7496_7522del on transcript NM_001170629.2 (MANE Select); coding-DNA positions 7496 to 7522, 27 bases deleted (CCCACCCCCACCATCACCACCATCACC).
Protein change: p.Pro2499_His2507del.
Molecular consequence: inframe deletion.
Genome position (GRCh38, 1-based): chr14:21,385,837-21,385,863, GGTGATGGTGGTGATGGTGGGGGTGGG deleted on the plus strand (CCCACCCCCACCATCACCACCATCACC on the coding strand, the reverse complement: CHD8 is on the minus strand); deleting any 27 consecutive bases within chr14:21,385,837-21,385,867 gives the same sequence; the c. name uses the placement nearest the transcript's 3' end. VCF-style (leftmost placement, unchanged base first): chr14-21385836-TGGTGATGGTGGTGATGGTGGGGGTGGG-T. GRCh37 (hg19) VCF-style: chr14-21853995-TGGTGATGGTGGTGATGGTGGGGGTGGG-T.
Other names: c.6659_6685del, p.Pro2220_His2228del (NM_020920.4).
Identifiers: ClinVar variation 4884144 (VCV004884144.2).